The following is an entry in ClinVar:

ClinVar aggregate classification (germline): Conflicting classifications of pathogenicity. Review status: criteria provided, conflicting classifications (1 of 4 stars). 18 submissions from 18 submitters: Uncertain significance (1); Benign (6); Likely benign (8). 3 of the submissions do not count toward it. Last evaluated 2026-01-25.

Conditions:
CDH1-related disorder. Also called: CDH1-related condition.
Familial cancer of breast. Also called: hereditary breast carcinoma; BREAST CANCER, FAMILIAL; Hereditary breast cancer. Identifiers: Orphanet 227535, MedGen C0346153, MONDO:0016419, OMIM 114480. Disease mechanism: loss of function.
Hereditary diffuse gastric adenocarcinoma (HDGC). Also called: DIFFUSE GASTRIC AND LOBULAR BREAST CANCER SYNDROME. Identifiers: Orphanet 26106, MedGen C1708349, MONDO:0007648, OMIM 137215.
Endometrial carcinoma. Also called: Endometrial carcinoma, somatic. Identifiers: MedGen C0476089, MONDO:0002447, OMIM 608089, HP:0012114.
Ovarian neoplasm. Also called: Neoplasm of ovary; Ovarian tumor; Ovarian Neoplasms. Identifiers: MedGen C0919267, MeSH D010051, MONDO:0021068, HP:0100615.
Prostate cancer. Also called: Malignant tumor of prostate. Identifiers: Orphanet 1331, MedGen C0376358, MONDO:0008315, HP:0012125.
Blepharocheilodontic syndrome 1 (BCDS1). Identifiers: Orphanet 1997, MedGen C4551988, MONDO:0054740, OMIM 119580.
Breast and/or ovarian cancer. Identifiers: MedGen CN221562.
Hereditary cancer-predisposing syndrome. Also called: Neoplastic Syndromes, Hereditary; Hereditary neoplastic syndrome; Hereditary Cancer Syndrome; Tumor predisposition. Identifiers: Orphanet 140162, MedGen C0027672, MeSH D009386, MONDO:0015356.

Allele frequency attached by ClinVar (database versions not stated): gnomAD exomes 0.00003 and 0.00005; gnomAD 0.00027 and 0.00025; ESP Exome Variant Server 0.00023; TOPMed 0.00037; 1000 Genomes Project 0.00040; ExAC 0.00004; 1000 Genomes Project 30x 0.00047.

Submissions (18):

Labcorp Genetics (formerly Invitae), Labcorp
Classification: Benign for Hereditary diffuse gastric adenocarcinoma. Last evaluated: 2026-01-25. Review status: criteria provided, single submitter. Criteria: Invitae Variant Classification Sherloc (09022015). Collection method: clinical testing. Allele origin: germline.

Quest Diagnostics Nichols Institute San Juan Capistrano
Classification: Benign. Last evaluated: 2025-03-19. Review status: criteria provided, single submitter. Criteria: Quest Diagnostics criteria. Collection method: clinical testing. Allele origin: unknown.

Center for Genomic Medicine, Rigshospitalet, Copenhagen University Hospital
Classification: Likely benign. Last evaluated: 2025-03-04. Review status: criteria provided, single submitter. Criteria: ACMG Guidelines, 2015. Collection method: clinical testing. Allele origin: germline.

Blueprint Genetics
Classification: Likely benign. Last evaluated: 2023-12-28. Review status: criteria provided, single submitter. Criteria: ACMG Guidelines, 2015. Collection method: clinical testing. Allele origin: germline.

KCCC/NGS Laboratory, Kuwait Cancer Control Center
Classification: Benign for Familial prostate cancer. Last evaluated: 2023-07-07. Review status: criteria provided, single submitter. Criteria: ACMG Guidelines, 2015. Collection method: clinical testing. Allele origin: germline. Affected: yes.

Myriad Genetics, Inc.
Classification: Benign for Hereditary diffuse gastric adenocarcinoma. Last evaluated: 2023-03-06. Review status: criteria provided, single submitter. Criteria: Myriad Autosomal Dominant, Autosomal Recessive and X-Linked Classification Criteria (2023). Collection method: clinical testing. Allele origin: unknown.
Comment: This variant is considered benign. This variant is a silent/synonymous amino acid change and it is not expected to impact splicing.

European Reference Network on Genetic Tumour Risk Syndromes (ERN-GENTURIS), i3s - Instituto de Investigação e Inovação em Saúde, University of Porto
Classification: Uncertain significance for Hereditary diffuse gastric adenocarcinoma. Last evaluated: 2022-08-01. Review status: criteria provided, single submitter. Criteria: Lee et al. (Hum Mutat. 2018). Collection method: clinical testing. Allele origin: germline. Inheritance: Autosomal dominant inheritance. Affected: no. Study: ERN GENTURIS.
Comment: BP7 (PMID: 30311375)

Women's Health and Genetics/Laboratory Corporation of America, LabCorp
Classification: Benign. Last evaluated: 2021-11-06. Review status: criteria provided, single submitter. Criteria: LabCorp Variant Classification Summary - May 2015. Collection method: clinical testing. Allele origin: germline.

Fulgent Genetics
Classification: Likely benign for Familial cancer of breast; Blepharocheilodontic syndrome 1; Hereditary diffuse gastric adenocarcinoma; Ovarian cancer; Familial prostate cancer; Endometrial carcinoma. Last evaluated: 2021-10-27. Review status: criteria provided, single submitter. Criteria: ACMG Guidelines, 2015. Collection method: clinical testing. Allele origin: unknown.

Sema4
Classification: Likely benign for Hereditary cancer-predisposing syndrome. Last evaluated: 2021-08-04. Review status: criteria provided, single submitter. Criteria: Sema4 Curation Guidelines. Collection method: curation. Allele origin: germline.

CHEO Genetics Diagnostic Laboratory, Children's Hospital of Eastern Ontario
Classification: Likely benign for Breast and/or ovarian cancer. Last evaluated: 2021-06-24. Review status: criteria provided, single submitter. Criteria: ACMG Guidelines, 2015. Collection method: clinical testing. Allele origin: germline.

ARUP Laboratories, Molecular Genetics and Genomics, ARUP Laboratories
Classification: Likely benign. Last evaluated: 2020-01-24. Review status: criteria provided, single submitter. Criteria: ARUP Molecular Germline Variant Investigation Process. Collection method: clinical testing. Allele origin: germline.

Color Diagnostics, LLC DBA Color Health
Classification: Likely benign for Hereditary cancer-predisposing syndrome. Last evaluated: 2015-12-30. Review status: criteria provided, single submitter. Criteria: ACMG Guidelines, 2015. Collection method: clinical testing. Allele origin: germline.

GeneDx
Classification: Benign. Last evaluated: 2015-08-27. Review status: criteria provided, single submitter. Criteria: GeneDx Variant Classification (06012015). Collection method: clinical testing. Allele origin: germline. Affected: yes.
Comment: This variant is considered likely benign or benign based on one or more of the following criteria: it is a conservative change, it occurs at a poorly conserved position in the protein, it is predicted to be benign by multiple in silico algorithms, and/or has population frequency not consistent with disease.

Ambry Genetics
Classification: Likely benign for Hereditary cancer-predisposing syndrome. Last evaluated: 2014-10-29. Review status: criteria provided, single submitter. Criteria: Ambry Variant Classification Scheme 2023. Collection method: clinical testing. Allele origin: germline.

PreventionGenetics, part of Exact Sciences
Classification: Likely benign for CDH1-related condition. Last evaluated: 2019-04-24. Review status: no assertion criteria provided. Collection method: clinical testing. Allele origin: germline. Not counted in ClinVar's aggregate classification.
Comment: This variant is classified as likely benign based on ACMG/AMP sequence variant interpretation guidelines (Richards et al. 2015 PMID: 25741868, with internal and published modifications).

Counsyl
Classification: Likely benign for Hereditary diffuse gastric adenocarcinoma. Last evaluated: 2016-05-10. Review status: no assertion criteria provided. Collection method: clinical testing. Allele origin: unknown. Not counted in ClinVar's aggregate classification.

Department of Pathology and Laboratory Medicine, Sinai Health System
Classification: Likely benign for Hereditary diffuse gastric adenocarcinoma. Review status: no assertion criteria provided. Collection method: clinical testing. Allele origin: unknown. Affected: yes. Study: The Canadian Open Genetics Repository (COGR). Not counted in ClinVar's aggregate classification.
Comment: The CDH1 p.Tyr101= variant was not identified in the literature. The variant was identified in dbSNP (ID: rs150789339) as "With Likely benign allele" and ClinVar (classified as benign by GeneDx; and as likely benign by Invitae, Ambry Genetics, Counsyl and Color). The variant was identified in control databases in 21 of 276986 chromosomes at a frequency of 0.00008 (Genome Aggregation Database Feb 27, 2017). The variant was observed in the following populations: African in 16 of 24034 chromosomes (freq: 0.0007), Other in 1 of 6460 chromosomes (freq: 0.0002), Latino in 2 of 34416 chromosomes (freq: 0.000068), and European in 2 of 126494 chromosomes (freq: 0.00002), while the variant was not observed in the Ashkenazi Jewish, East Asian, Finnish, or South Asian populations. The p.Tyr101= variant is not expected to have clinical significance because it does not result in a change of amino acid and is not located in a known consensus splice site. In addition, in silico or computational prediction software programs (SpliceSiteFinder, MaxEntScan, NNSPLICE, GeneSplicer) do not predict a difference in splicing. In summary, based on the above information, the clinical significance of this variant cannot be determined with certainty at this time although we would lean towards a more benign role for this variant. This variant is classified as likely benign.

Literature cited by the submitters: PubMed 36436516 (cited by Quest Diagnostics Nichols Institute San Juan Capistrano and European Reference Network on Genetic Tumour Risk Syndromes (ERN-GENTURIS), i3s - Instituto de Investigação e Inovação em Saúde, University of Porto).

NM_004360.5(CDH1):c.303C>T (p.Tyr101=)

Gene: CDH1 (cadherin 1; plus strand). Cytogenetic location: 16q22.1.
Variant type: single nucleotide variant.
Coding change: c.303C>T on transcript NM_004360.5 (MANE Select); coding-DNA position 303, C replaced by T.
Protein change: p.Tyr101=; no amino-acid change (tyrosine 101 retained).
Molecular consequence: synonymous variant. On other transcripts: 5 prime UTR variant (2).
Genome position (GRCh38, 1-based): chr16:68,801,809, C>T. VCF-style: chr16-68801809-C-T. GRCh37 (hg19) VCF-style: chr16-68835712-C-T.
Other names: c.303C>T, p.Tyr101= (NM_001317184.2); c.-1313C>T (NM_001317185.2); c.-1517C>T (NM_001317186.2); c.303C>T (LRG_301t1).
Identifiers: ClinVar variation 183867 (VCV000183867.40), dbSNP rs150789339, ClinGen allele CA186814.
Genomic context (GRCh38, chr16:68,801,809, plus strand): 5'-TGTGATTACAGTCAAAAGGCCTCTACGGTTTCATAACCCACAGATCCATTTCTTGGTCTA[C>T]GCCTGGGACTCCACCTACAGAAAGTTTTCCACCAAAGTCACGCTGAATACAGTGGGGCAC-3'
Protein context (NP_004351.1, residues 91-111): FHNPQIHFLV[Tyr101=]AWDSTYRKFS